The following is an entry in ClinVar:

ClinVar aggregate classification (germline): Pathogenic. Review status: reviewed by expert panel (3 of 4 stars). 11 submissions from 11 submitters: Pathogenic (1). 10 of the submissions do not count toward it. Last evaluated 2026-05-20.

Conditions:
MYO7A-related disorder. Also called: MYO7A-related disorders.
Usher syndrome. Also called: Usher Syndromes; Usher's syndrome. Identifiers: Orphanet 886, MedGen CN469326, MeSH D052245, MONDO:0019501. Disease mechanism: loss of function.
Usher syndrome type 1 (USH1). Also called: RETINITIS PIGMENTOSA AND CONGENITAL DEAFNESS. Identifiers: Orphanet 231169, Orphanet 886, MedGen C1568247, MONDO:0010168, OMIM 276900.
Autosomal dominant nonsyndromic hearing loss 11. Identifiers: Orphanet 90635, MedGen C1832475, MONDO:0011032, OMIM 601317.
Autosomal recessive nonsyndromic hearing loss 2. Also called: NEUROSENSORY NONSYNDROMIC RECESSIVE DEAFNESS 2; DEAFNESS, AUTOSOMAL RECESSIVE 2. Identifiers: Orphanet 90636, MedGen C1838701, MONDO:0010807, OMIM 600060.
Usher syndrome type 1B (USH1B). Also called: Usher syndrome type IB. Identifiers: MedGen C1848638, MONDO:0700087.

Allele frequency attached by ClinVar (database versions not stated): gnomAD exomes 0.00004 and 0.00001; TOPMed 0.00004; ExAC 0.00001; gnomAD 0.00002.
gnomAD v4.1: 57 of 1,613,186 alleles (0.0035%); highest among the groups gnomAD compares: African/African-American, 0.0067%; no homozygotes.

Submissions (11):

ClinGen Hearing Loss Variant Curation Expert Panel
Classification: Pathogenic for Usher syndrome. Last evaluated: 2026-05-20. Review status: reviewed by expert panel. Criteria: Clingen Hl Acmg Specifications Cdh23 Coch Gjb2 Kcnq4 Myo6 Myo7a Slc26a4 Tecta Ush2a V2. Collection method: curation. Allele origin: germline. Inheritance: Autosomal recessive inheritance.
Comment: The c.2002C>T variant in MYO7A is a missense variant predicted to cause substitution of arginine by cysteine at amino acid 668. The highest population minor allele frequency in gnomAD v4.1 is 0.00003344 (48/1179790 alleles) in the European non-finnish population, ( PM2_Supporting, BS1, and BA1 are not met). The computational predictor REVEL gives a score of 0.794, which is above the threshold of 0.7, evidence that correlates with impact on MYO7A function (PP3 met). This variant has been detected in 3 individuals with usher syndrome and 1 with sensorineural hearing loss. All of those individuals, were compound heterozygous for the variant and a pathogenic variant and 3 of those were confirmed in trans by parental testing (PM3_VeryStrong, PP4; PMID: 20146813, 26969326, SCV001397007.7, Labcorp Genetics internal data). In summary, this variant meets the criteria to be classified as pathogenic for autosomal recessive Usher syndrome based on the ACMG/AMP criteria applied, as specified by the ClinGen Hearing Loss VCEP: PM3_VeryStrong, PP4, PP3. (ClinGen Hearing Loss VCEP specifications version 2; 05/20/2026).

PreventionGenetics, part of Exact Sciences
Classification: Likely pathogenic for MYO7A-related condition. Last evaluated: 2026-07-08. Review status: criteria provided, single submitter. Criteria: ACMG Guidelines, 2015. Collection method: clinical testing. Allele origin: germline. Not counted in ClinVar's aggregate classification.
Comment: The MYO7A c.2002C>T variant is predicted to result in the amino acid substitution p.Arg668Cys. This variant has been reported along with a second pathogenic variant in an individual with Usher syndrome (Table S3, Sloan-Heggen et al. 2016. PubMed ID: 26969326). This variant was also reported in an individual with hearing loss without information on zygosity or a second potentially causative variant (Table S4, Kothiyal et al. 2010. PubMed ID: 20146813). However, this variant did not segregate in affected siblings with nonsyndromic hearing loss, although detailed information on the analysis was not provided (Hutchin et al. 2005. PubMed ID: 16283880). This variant has also been reported as causative in a cohort study for autosomal recessive retinal disease, although information on zygosity or a second causative variant was not provided (Table S1, Karali et al. 2022. PubMed ID: 36460718). This variant is reported in 0.0066% of alleles in individuals of African descent in gnomAD, including 57 heterozygotes in the gnomAD v4.1.1 database. This variant is interpreted as pathogenic for autosomal recessive Usher syndrome by the ClinGen Hearing Loss Variant Curation Expert Panel, in part based on unpublished data from another laboratory (Variation ID: 43168). An alternate missense at the same amino acid position (p.Arg668His) has been reported in a family with autosomal dominant hearing loss and segregation was demonstrated in the family (Sang et al. 2013. PubMed ID: 23383098). In the context of autosomal dominant disease this variant is interpreted as uncertain, and in the context of autosomal recessive disease this variant is interpreted as likely pathogenic.

Myriad Genetics, Inc.
Classification: Likely pathogenic for Usher syndrome type 1. Last evaluated: 2026-05-26. Review status: criteria provided, single submitter. Criteria: Myriad Autosomal Dominant, Autosomal Recessive and X-Linked Classification Criteria (2023). Collection method: clinical testing. Allele origin: unknown. Not counted in ClinVar's aggregate classification.
Comment: NM_000260.3(MYO7A):c.2002C>T(R668C) is a missense variant classified as likely pathogenic in the context of MYO7A-related disorders. R668C has been observed in cases with relevant disease (PMID: 26969326, 16283880, 20146813). Relevant functional assessments of this variant are not available in the literature. Internal structural analysis of the variant is supportive of pathogenicity. R668C has been observed in referenced population frequency databases. In summary, NM_000260.3(MYO7A):c.2002C>T(R668C) is a missense variant that has internal structural support for pathogenicity and has been observed more frequently in cases with the relevant disease than in healthy populations. Please note: this variant was assessed in the context of healthy population screening.

Labcorp Genetics (formerly Invitae), Labcorp
Classification: Pathogenic. Last evaluated: 2025-10-16. Review status: criteria provided, single submitter. Criteria: Invitae Variant Classification Sherloc (09022015). Collection method: clinical testing. Allele origin: germline. Not counted in ClinVar's aggregate classification.
Comment: This sequence change replaces arginine, which is basic and polar, with cysteine, which is neutral and slightly polar, at codon 668 of the MYO7A protein (p.Arg668Cys). This variant is present in population databases (rs397516292, gnomAD 0.007%). This missense change has been observed in individual(s) with Usher syndrome (PMID: 26969326; internal data). In at least one individual the data is consistent with being in trans (on the opposite chromosome) from a pathogenic variant. ClinVar contains an entry for this variant (Variation ID: 43168). Invitae Evidence Modeling of protein sequence and biophysical properties (such as structural, functional, and spatial information, amino acid conservation, physicochemical variation, residue mobility, and thermodynamic stability) has been performed for this missense variant. However, the output from this modeling did not meet the statistical confidence thresholds required to predict the impact of this variant on MYO7A protein function. This variant disrupts the p.Arg668 amino acid residue in MYO7A. Other variant(s) that disrupt this residue have been determined to be pathogenic (PMID: 26969326). This suggests that this residue is clinically significant, and that variants that disrupt this residue are likely to be disease-causing. For these reasons, this variant has been classified as Pathogenic.

Natera, Inc.
Classification: Likely pathogenic for Usher syndrome type 1B. Last evaluated: 2025-05-27. Review status: criteria provided, single submitter. Criteria: Natera Variant Classification Schema (03/2026). Collection method: clinical testing. Allele origin: germline. Not counted in ClinVar's aggregate classification.
Comment: The c.2002C>T variant in MYO7A is a missense variant predicted to cause substitution of arginine to cysteine at amino acid 668. This variant is rare in the general population with a frequency below the threshold expected for the associated phenotype(s). This variant has been observed in one or more individuals affected with the associated recessive disease, as either homozygous or compound heterozygous with a second variant (PMID: 26969326). A different variant at the same position has been determined to be Pathogenic or Likely Pathogenic. Computational prediction algorithms indicate this variant is likely to affect gene or protein function. Given the available evidence, this variant is classified as Likely Pathogenic.

Blueprint Genetics
Classification: Uncertain significance. Last evaluated: 2024-10-28. Review status: criteria provided, single submitter. Criteria: ACMG Guidelines, 2015. Collection method: clinical testing. Allele origin: germline. Not counted in ClinVar's aggregate classification.

CeGaT Center for Human Genetics Tuebingen
Classification: Likely pathogenic. Last evaluated: 2024-09-01. Review status: criteria provided, single submitter. Criteria: CeGaT Center For Human Genetics Tuebingen Variant Classification Criteria Version 2. Collection method: clinical testing. Allele origin: germline. Affected: yes. Observed: 1 variant allele. Not counted in ClinVar's aggregate classification.
Comment: MYO7A: PM2, PM3, PM5, PP3

Fulgent Genetics
Classification: Likely pathogenic for Usher syndrome type 1; Autosomal recessive nonsyndromic hearing loss 2; Autosomal dominant nonsyndromic hearing loss 11. Last evaluated: 2024-03-20. Review status: criteria provided, single submitter. Criteria: ACMG Guidelines, 2015. Collection method: clinical testing. Allele origin: germline. Not counted in ClinVar's aggregate classification.

GeneDx
Classification: Uncertain significance. Last evaluated: 2023-09-14. Review status: criteria provided, single submitter. Criteria: GeneDx Variant Classification Process June 2021. Collection method: clinical testing. Allele origin: germline. Affected: yes. Not counted in ClinVar's aggregate classification.
Comment: In silico analysis supports that this missense variant has a deleterious effect on protein structure/function; A different missense change at this residue p.(R668H) has been reported as pathogenic in the published literature in association with nonsyndromic hearing loss (Sang et al., 2013); This variant is associated with the following publications: (PMID: 20146813, 16283880, 26969326)

Department of Pathology and Laboratory Medicine, Sinai Health System
Classification: Uncertain significance for Autosomal dominant nonsyndromic hearing loss 11; Autosomal recessive nonsyndromic hearing loss 2; Usher syndrome type 1. Last evaluated: 2023-04-21. Review status: criteria provided, single submitter. Criteria: ACMG Guidelines, 2015. Collection method: research. Allele origin: germline. Not counted in ClinVar's aggregate classification.

Laboratory for Molecular Medicine, Mass General Brigham Personalized Medicine
Classification: Uncertain significance. Last evaluated: 2012-04-11. Review status: criteria provided, single submitter. Criteria: LMM Criteria. Collection method: clinical testing. Allele origin: germline. Observed: 2 variant alleles. Not counted in ClinVar's aggregate classification.
Comment: Variant classified as Uncertain Significance - Favor Pathogenic. The Arg668Cys v ariant in MYO7A has not been reported in the literature nor previously identifie d by our laboratory. Computational analyses (biochemical amino acid properties, conservation, SIFT, PolyPhen2) suggest that the Arg668Cys variant may impact the protein, though this information is not predictive enough to determine pathogen icity. If the Arg668Cys variant is found to be in trans (on separate copies of t he gene) with the Tyr333X variant, then the presence of the Arg668Cys variant in combination with a pathogenic variant in a patient with hearing loss increases the likelihood that the Arg668Cys variant is pathogenic. In summary, the clinica l significance of this variant cannot be determined with certainty; however base d upon the arguments described above, and if the Arg668Cys variant is shown to b e in trans, we would lean towards a more likely pathogenic role for this variant .

Literature cited by the submitters: PubMed 16283880 (cited by Myriad Genetics, Inc.); PubMed 20146813 (cited by Myriad Genetics, Inc.); PubMed 26969326 (cited by 3 submitters).

NM_000260.4(MYO7A):c.2002C>T (p.Arg668Cys)

Gene: MYO7A (myosin VIIA; plus strand). Cytogenetic location: 11q13.5.
Variant type: single nucleotide variant.
Coding change: c.2002C>T on transcript NM_000260.4 (MANE Select); coding-DNA position 2002, C replaced by T.
Protein change: p.Arg668Cys; replaces arginine 668 with cysteine.
Molecular consequence: missense variant.
Genome position (GRCh38, 1-based): chr11:77,174,822, C>T. VCF-style: chr11-77174822-C-T. GRCh37 (hg19) VCF-style: chr11-76885868-C-T.
Other names: NM_000260.4(MYO7A):c.2002C>T; c.2002C>T, p.Arg668Cys (NM_001127180.2); c.1969C>T, p.Arg657Cys (NM_001369365.1); short protein forms R668C, R657C.
Identifiers: ClinVar variation 43168 (VCV000043168.39), dbSNP rs397516292, ClinGen allele CA132231.
Genomic context (GRCh38, chr11:77,174,822, plus strand): 5'-GACCGGCACCTGTGCGTGCGCCAGCTGCGGTACTCAGGAATGATGGAGACCATCCGAATC[C>T]GCCGAGCTGGCTACCCCATCCGCTACAGCTTCGTAGAGTTTGTGGAGCGGTACCGTGTGC-3'
Protein context (NP_000251.3, residues 658-678): YSGMMETIRI[Arg668Cys]RAGYPIRYSF